The following is an entry in ClinVar:

ClinVar aggregate classification (germline): Uncertain significance (1 of 4 stars; one submission).

Conditions:
Metaphyseal chondrodysplasia, Schmid type (MCDS). Also called: SPONDYLOMETAPHYSEAL DYSPLASIA, JAPANESE TYPE. Identifiers: Orphanet 174, MedGen C0265289, MONDO:0007983, OMIM 156500.

gnomAD v4.1: 1 of 1,613,962 alleles (0.000062%); highest among the groups gnomAD compares: Non-Finnish European, 0.000085%; no homozygotes.

Submission:

Juno Genomics, Hangzhou Juno Genomics, Inc
Classification: Uncertain significance for Metaphyseal chondrodysplasia, Schmid type. Review status: criteria provided, single submitter. Criteria: ACMG Guidelines, 2015. Collection method: clinical testing. Allele origin: germline.
Comment: Absent from controls (or at extremely low frequency if recessive) in Genome Aggregation Database.;Multiple lines of computational evidence support a deleterious effect on the gene or gene product.

NM_000493.4(COL10A1):c.1148G>A (p.Gly383Glu)

Genes: COL10A1 (collagen type X alpha 1 chain; minus strand), NT5DC1 (5'-nucleotidase domain containing 1; plus strand). Cytogenetic location: 6q22.1.
Variant type: single nucleotide variant.
Coding change: c.1148G>A on transcript NM_000493.4 (MANE Select); coding-DNA position 1148, G replaced by A.
Protein change: p.Gly383Glu; replaces glycine 383 with glutamic acid.
Molecular consequence: missense variant. On other transcripts: intron variant (1).
Genome position (GRCh38, 1-based): chr6:116,120,968, C>T on the plus strand (G>A on the coding strand, the complement: COL10A1 is on the minus strand). VCF-style: chr6-116120968-C-T. GRCh37 (hg19) VCF-style: chr6-116442131-C-T.
Other names: c.1148G>A, p.Gly383Glu (NM_001424106.1, NM_001424107.1); c.529+3023C>T (NM_152729.3); short protein forms G383E.
Identifiers: ClinVar variation 5006958 (VCV005006958.2).